The following is an entry in ClinVar:

ClinVar aggregate classification (germline): Pathogenic (1 of 4 stars; one submission).

Conditions:
Pheochromocytoma. Also called: MAX-Related Hereditary Paraganglioma-Pheochromocytoma Syndrome. Identifiers: Orphanet 29072, MedGen C0031511, MONDO:0008233, OMIM 171300, HP:0002666.
Paragangliomas with sensorineural hearing loss. Identifiers: MedGen C1868633.
Carney-Stratakis syndrome. Also called: PARAGANGLIOMA AND GASTROINTESTINAL STROMAL TUMOR. Identifiers: Orphanet 97286, MedGen C1847319, MONDO:0011740, OMIM 606864.
Cowden syndrome 3 (CWS3). Identifiers: Orphanet 201, MedGen CN166604, MONDO:0014045.

Submissions (2):

Labcorp Genetics (formerly Invitae), Labcorp
Classification: Pathogenic for Carney-Stratakis syndrome; Paragangliomas with sensorineural hearing loss; Pheochromocytoma; Cowden syndrome 3. Last evaluated: 2024-10-23. Review status: criteria provided, single submitter. Criteria: Invitae Variant Classification Sherloc (09022015). Collection method: clinical testing. Allele origin: germline.
Comment: This sequence change falls in intron 2 of the SDHD gene. It does not directly change the encoded amino acid sequence of the SDHD protein. RNA analysis indicates that this variant induces altered splicing and may result in an absent or altered protein product. This variant is not present in population databases (gnomAD no frequency). This variant has been observed in individual(s) with paraganglioma (internal data). Variants that disrupt the consensus splice site are a relatively common cause of aberrant splicing (PMID: 17576681, 9536098). Studies have shown that this variant results in activation of a cryptic splice site and skipping of exon 2, and produces a non-functional protein and/or introduces a premature termination codon (internal data). This variant disrupts the c.169+5G nucleotide in the SDHD gene. Other variant(s) that disrupt this nucleotide have been determined to be pathogenic (internal data). This suggests that this nucleotide is clinically significant, and that variants that disrupt this position are likely to be disease-causing. For these reasons, this variant has been classified as Pathogenic.

Dr. Peter K. Rogan Lab, Western University
No classification provided (evidence only). Condition: Ovarian serous cystadenocarcinoma. Review status: no classification provided. Collection method: in vitro. Allele origin: not applicable. Functional consequence: retained intron. Not counted in ClinVar's aggregate classification.

Literature cited by the submitters: PubMed 17576681 (cited by Labcorp Genetics (formerly Invitae), Labcorp); PubMed 9536098 (cited by Labcorp Genetics (formerly Invitae), Labcorp).

NM_003002.4(SDHD):c.169+5G>T

Gene: SDHD (succinate dehydrogenase complex subunit D; plus strand). Cytogenetic location: 11q23.1.
Variant type: single nucleotide variant.
Coding change: c.169+5G>T on transcript NM_003002.4 (MANE Select); 5 bases into the intron after coding-DNA position 169, G replaced by T.
Molecular consequence: intron variant.
Genome position (GRCh38, 1-based): chr11:112,087,978, G>T. VCF-style: chr11-112087978-G-T. GRCh37 (hg19) VCF-style: chr11-111958702-G-T.
Other names: c.169+5G>T (NM_001276506.2, NM_001276503.2); c.53-889G>T (NM_001276504.2).
Identifiers: ClinVar variation 3761822 (VCV003761822.3).